The following is an entry in ClinVar:

NM_004385.5(VCAN):c.3698C>T (p.Pro1233Leu)

Gene: VCAN (versican; plus strand). Cytogenetic location: 5q14.3.
Variant type: single nucleotide variant.
Coding change: c.3698C>T on transcript NM_004385.5 (MANE Select); coding-DNA position 3698, C replaced by T.
Protein change: p.Pro1233Leu; replaces proline 1233 with leucine.
Molecular consequence: missense variant. On other transcripts: intron variant (2).
Genome position (GRCh38, 1-based): chr5:83,522,004, C>T. VCF-style: chr5-83522004-C-T. GRCh37 (hg19) VCF-style: chr5-82817823-C-T.
Other names: c.3698C>T, p.Pro1233Leu (NM_001164098.2); c.1042+9608C>T (NM_001164097.2, NM_001126336.3); short protein forms P1233L.
Identifiers: ClinVar variation 2766218 (VCV002766218.3), dbSNP rs2479058991, ClinGen allele CA360306624.

ClinVar aggregate classification (germline): Uncertain significance (1 of 4 stars; one submission).

Allele frequency attached by ClinVar (database versions not stated): gnomAD exomes below 0.00001.
gnomAD v4.1: 1 of 1,614,160 alleles (0.000062%); highest among the groups gnomAD compares: South Asian, 0.0011%; no homozygotes.

Submission:

Labcorp Genetics (formerly Invitae), Labcorp
Classification: Uncertain significance. Last evaluated: 2024-07-22. Review status: criteria provided, single submitter. Criteria: Invitae Variant Classification Sherloc (09022015). Collection method: clinical testing. Allele origin: germline.
Comment: This sequence change replaces proline, which is neutral and non-polar, with leucine, which is neutral and non-polar, at codon 1233 of the VCAN protein (p.Pro1233Leu). This variant is not present in population databases (gnomAD no frequency). This variant has not been reported in the literature in individuals affected with VCAN-related conditions. An algorithm developed to predict the effect of missense changes on protein structure and function outputs the following: PolyPhen-2: "Possibly Damaging". The leucine amino acid residue is found in multiple mammalian species, which suggests that this missense change does not adversely affect protein function. In summary, the available evidence is currently insufficient to determine the role of this variant in disease. Therefore, it has been classified as a Variant of Uncertain Significance.